The following is an entry in ClinVar:

ClinVar aggregate classification (germline): Uncertain significance (1 of 4 stars; one submission).

gnomAD v4.1: 120 of 953,356 alleles (0.013%); highest among the groups gnomAD compares: South Asian, 0.047%; 1 homozygote.

Submission:

GeneDx
Classification: Uncertain significance. Last evaluated: 2024-02-05. Review status: criteria provided, single submitter. Criteria: GeneDx Variant Classification Process June 2021. Collection method: clinical testing. Allele origin: germline. Affected: yes.
Comment: Has not been previously published as pathogenic or benign to our knowledge; This variant is associated with the following publications: (PMID: 35320431)

NM_001301834.1(C12orf57):c.-16+207G>A

Genes: C12orf57 (chromosome 12 open reading frame 57; plus strand), RNU7-1 (RNA, U7 small nuclear 1; plus strand). Cytogenetic location: 12p13.31.
Variant type: single nucleotide variant.
Coding change: c.-16+207G>A on transcript NM_001301834.1; 207 bases into the intron after 16 bases upstream of the start codon, G replaced by A.
Molecular consequence: intron variant. On other transcripts: non-coding transcript variant (1).
Genome position (GRCh38, 1-based): chr12:6,943,869, G>A. VCF-style: chr12-6943869-G-A. GRCh37 (hg19) VCF-style: chr12-7053032-G-A.
Other names: c.13+207G>A (NM_001301836.2).
Identifiers: ClinVar variation 3340974 (VCV003340974.1).
Genomic context (GRCh38, chr12:6,943,869, plus strand): 5'-TACGCAGCAGTGTTACAGCTCTTTTAGAATTTGTCTAGTAGGCTTTCTGGCTTTTTACCG[G>A]AAAGCCCCTCTTATGATGTTTGTTGCCAATGATAGATTGTTTTCACTGTGCAAAAATTAT-3'